The following is an entry in ClinVar:

ClinVar aggregate classification (germline): Uncertain significance (1 of 4 stars; one submission).

gnomAD v4.1: 1 of 1,613,930 alleles (0.000062%); highest among the groups gnomAD compares: Non-Finnish European, 0.000085%; no homozygotes.

Submission:

Ambry Genetics
Classification: Uncertain significance. Last evaluated: 2025-03-04. Review status: criteria provided, single submitter. Criteria: Ambry Variant Classification Scheme 2023. Collection method: clinical testing. Allele origin: germline.
Comment: The p.S568R variant (also known as c.1704T>G), located in coding exon 13 of the GEN1 gene, results from a T to G substitution at nucleotide position 1704. The serine at codon 568 is replaced by arginine, an amino acid with dissimilar properties. This amino acid position is conserved. In addition, this alteration is predicted to be tolerated by in silico analysis. Based on the available evidence, the clinical significance of this variant remains unclear.

NM_001130009.3(GEN1):c.1704T>G (p.Ser568Arg)

Gene: GEN1 (GEN1 Holliday junction 5' flap endonuclease; plus strand). Cytogenetic location: 2p24.2.
Variant type: single nucleotide variant.
Coding change: c.1704T>G on transcript NM_001130009.3 (MANE Select); coding-DNA position 1704, T replaced by G.
Protein change: p.Ser568Arg; replaces serine 568 with arginine.
Molecular consequence: missense variant.
Genome position (GRCh38, 1-based): chr2:17,780,916, T>G. VCF-style: chr2-17780916-T-G. GRCh37 (hg19) VCF-style: chr2-17962183-T-G.
Other names: c.1704T>G, p.Ser568Arg (NM_182625.5); short protein forms S568R.
Identifiers: ClinVar variation 3853612 (VCV003853612.1).